The following is an entry in ClinVar:

NM_000245.4(MET):c.583T>C (p.Phe195Leu)

Gene: MET (MET proto-oncogene, receptor tyrosine kinase; plus strand). Cytogenetic location: 7q31.2.
Variant type: single nucleotide variant.
Coding change: c.583T>C on transcript NM_000245.4 (MANE Select); coding-DNA position 583, T replaced by C.
Protein change: p.Phe195Leu; replaces phenylalanine 195 with leucine.
Molecular consequence: missense variant. On other transcripts: intron variant (1).
Genome position (GRCh38, 1-based): chr7:116,699,667, T>C. VCF-style: chr7-116699667-T-C. GRCh37 (hg19) VCF-style: chr7-116339721-T-C.
Other names: c.583T>C, p.Phe195Leu (NM_001127500.3, NM_001324401.3); c.-91+27090T>C (NM_001324402.2); short protein forms F195L.
Identifiers: ClinVar variation 2102183 (VCV002102183.4), dbSNP rs2116592550, ClinGen allele CA368969395.
Genomic context (GRCh38, chr7:116,699,667, plus strand): 5'-TGTGTGGTGAGCGCCCTGGGAGCCAAAGTCCTTTCATCTGTAAAGGACCGGTTCATCAAC[T>C]TCTTTGTAGGCAATACCATAAATTCTTCTTATTTCCCAGATCATCCATTGCATTCGATAT-3'
Protein context (NP_000236.2, residues 185-205): LSSVKDRFIN[Phe195Leu]FVGNTINSSY

ClinVar aggregate classification (germline): Uncertain significance (1 of 4 stars; one submission).

Conditions:
Renal cell carcinoma. Identifiers: Orphanet 217071, MedGen C0007134, MeSH D002292, MONDO:0005086, HP:0005584.

gnomAD v4.1: 1 of 1,614,058 alleles (0.000062%); highest among the groups gnomAD compares: Non-Finnish European, 0.000085%; no homozygotes.

Submission:

Labcorp Genetics (formerly Invitae), Labcorp
Classification: Uncertain significance for Renal cell carcinoma. Last evaluated: 2022-02-23. Review status: criteria provided, single submitter. Criteria: Invitae Variant Classification Sherloc (09022015). Collection method: clinical testing. Allele origin: germline.
Comment: In summary, the available evidence is currently insufficient to determine the role of this variant in disease. Therefore, it has been classified as a Variant of Uncertain Significance. Algorithms developed to predict the effect of missense changes on protein structure and function are either unavailable or do not agree on the potential impact of this missense change (SIFT: "Deleterious"; PolyPhen-2: "Probably Damaging"; Align-GVGD: "Class C0"). This variant has not been reported in the literature in individuals affected with MET-related conditions. This variant is not present in population databases (gnomAD no frequency). This sequence change replaces phenylalanine, which is neutral and non-polar, with leucine, which is neutral and non-polar, at codon 195 of the MET protein (p.Phe195Leu).